The following is an entry in ClinVar:

ClinVar aggregate classification (germline): Benign/Likely benign. Review status: criteria provided, multiple submitters, no conflicts (2 of 4 stars). 3 submissions from 3 submitters: Benign (2); Likely benign (1). Last evaluated 2018-07-09.

Conditions:
Dystonia 16 (DYT16). Also called: DYT-PRKRA. Identifiers: Orphanet 210571, MedGen C2677567, MONDO:0012789, OMIM 612067.

Allele frequency attached by ClinVar (database versions not stated): gnomAD 0.15636 and 0.15862; 1000 Genomes Project 30x 0.22611; gnomAD exomes 0.40669; ExAC 0.72440.

Submissions (3):

GeneDx
Classification: Benign. Last evaluated: 2018-07-09. Review status: criteria provided, single submitter. Criteria: GeneDx Variant Classification Process June 2021. Collection method: clinical testing. Allele origin: germline. Affected: yes.

Illumina Laboratory Services, Illumina
Classification: Benign for Dystonia 16. Last evaluated: 2018-01-13. Review status: criteria provided, single submitter. Criteria: ICSL Variant Classification Criteria 13 December 2019. Collection method: clinical testing. Allele origin: germline.
Comment: This variant was observed in the ICSL laboratory as part of a predisposition screen in an ostensibly healthy population. It had not been previously curated by ICSL or reported in the Human Gene Mutation Database (HGMD: prior to June 1st, 2018), and was therefore a candidate for classification through an automated scoring system. Utilizing variant allele frequency, disease prevalence and penetrance estimates, and inheritance mode, an automated score was calculated to assess if this variant is too frequent to cause the disease. Based on the score and internal cut-off values, a variant classified as benign is not then subjected to further curation. The score for this variant resulted in a classification of benign for this disease.

Breakthrough Genomics
Classification: Likely benign. Review status: criteria provided, single submitter. Criteria: ACMG Guidelines, 2015. Collection method: not provided. Allele origin: germline. Inheritance: Autosomal recessive inheritance. Affected: yes.

NM_003690.5(PRKRA):c.-24G>A

Gene: PRKRA (protein activator of interferon induced protein kinase EIF2AK2; minus strand). Cytogenetic location: 2q31.2.
Variant type: single nucleotide variant.
Coding change: c.-24G>A on transcript NM_003690.5 (MANE Select); 24 bases upstream of the start codon, G replaced by A.
Molecular consequence: 5 prime UTR variant.
Genome position (GRCh38, 1-based): chr2:178,451,054, C>T on the plus strand (G>A on the coding strand, the complement: PRKRA is on the minus strand). VCF-style: chr2-178451054-C-T. GRCh37 (hg19) VCF-style: chr2-179315781-C-T.
Other names: c.-473G>A (NM_001316362.2).
Identifiers: ClinVar variation 332637 (VCV000332637.9), dbSNP rs62176113, ClinGen allele CA1984100.